The following is an entry in ClinVar:

ClinVar aggregate classification (germline): Uncertain significance. Review status: criteria provided, multiple submitters, no conflicts (2 of 4 stars). 3 submissions from 3 submitters: Uncertain significance (3). Last evaluated 2025-08-04.

Conditions:
Familial adenomatous polyposis 1 (FAP1). Also called: FAMILIAL ADENOMATOUS POLYPOSIS 1, ATTENUATED; POLYPOSIS, ADENOMATOUS INTESTINAL. Identifiers: MedGen C2713442, MONDO:0021056, OMIM 175100. Disease mechanism: loss of function.
Hereditary cancer-predisposing syndrome. Also called: Tumor predisposition; Hereditary Cancer Syndrome; Hereditary neoplastic syndrome; Neoplastic Syndromes, Hereditary. Identifiers: Orphanet 140162, MedGen C0027672, MeSH D009386, MONDO:0015356.

Allele frequency attached by ClinVar (database versions not stated): TOPMed below 0.00001; gnomAD exomes 0.00001.

Submissions (3):

Ambry Genetics
Classification: Uncertain significance for Hereditary cancer-predisposing syndrome. Last evaluated: 2025-08-04. Review status: criteria provided, single submitter. Criteria: Ambry Variant Classification Scheme 2023. Collection method: clinical testing. Allele origin: germline.
Comment: The p.M1747I variant (also known as c.5241G>A), located in coding exon 15 of the APC gene, results from a G to A substitution at nucleotide position 5241. The methionine at codon 1747 is replaced by isoleucine, an amino acid with highly similar properties. This amino acid position is highly conserved in available vertebrate species. In addition, in silico predictors for this gene do not accurately predict pathogenicity. Missense alterations in APC are not a common cause of disease (Spier I et al. Genet Med. 2024 Feb;26(2):100992). Since supporting evidence is limited at this time, the clinical significance of this alteration remains unclear.

Color Diagnostics, LLC DBA Color Health
Classification: Uncertain significance for Hereditary cancer-predisposing syndrome. Last evaluated: 2024-03-06. Review status: criteria provided, single submitter. Criteria: ACMG Guidelines, 2015. Collection method: clinical testing. Allele origin: germline.
Comment: This missense variant replaces methionine with isoleucine at codon 1747 of the APC protein. Computational prediction suggests that this variant may not impact protein structure and function (internally defined REVEL score threshold <= 0.5, PMID: 27666373). To our knowledge, functional studies have not been reported for this variant. This variant has not been reported in individuals affected with APC-related disorders in the literature. This variant has not been identified in the general population by the Genome Aggregation Database (gnomAD). The available evidence is insufficient to determine the role of this variant in disease conclusively. Therefore, this variant is classified as a Variant of Uncertain Significance.

Labcorp Genetics (formerly Invitae), Labcorp
Classification: Uncertain significance for Familial adenomatous polyposis 1. Last evaluated: 2022-10-13. Review status: criteria provided, single submitter. Criteria: Invitae Variant Classification Sherloc (09022015). Collection method: clinical testing. Allele origin: germline.
Comment: This sequence change replaces methionine, which is neutral and non-polar, with isoleucine, which is neutral and non-polar, at codon 1747 of the APC protein (p.Met1747Ile). This variant is not present in population databases (gnomAD no frequency). This variant has not been reported in the literature in individuals affected with APC-related conditions. ClinVar contains an entry for this variant (Variation ID: 411438). Advanced modeling of protein sequence and biophysical properties (such as structural, functional, and spatial information, amino acid conservation, physicochemical variation, residue mobility, and thermodynamic stability) performed at Invitae indicates that this missense variant is not expected to disrupt APC protein function. In summary, the available evidence is currently insufficient to determine the role of this variant in disease. Therefore, it has been classified as a Variant of Uncertain Significance.

NM_000038.6(APC):c.5241G>A (p.Met1747Ile)

Gene: APC (APC regulator of Wnt signaling pathway; plus strand). Cytogenetic location: 5q22.2.
Variant type: single nucleotide variant.
Coding change: c.5241G>A on transcript NM_000038.6 (MANE Select); coding-DNA position 5241, G replaced by A.
Protein change: p.Met1747Ile; replaces methionine 1747 with isoleucine.
Molecular consequence: missense variant.
Genome position (GRCh38, 1-based): chr5:112,840,835, G>A. VCF-style: chr5-112840835-G-A. GRCh37 (hg19) VCF-style: chr5-112176532-G-A.
Other names: c.5241G>A, p.Met1747Ile (NM_001127510.3, NM_001354895.2); c.5187G>A, p.Met1729Ile (NM_001127511.3); c.5295G>A, p.Met1765Ile (NM_001354896.2); c.5271G>A, p.Met1757Ile (NM_001354897.2); c.5166G>A, p.Met1722Ile (NM_001354898.2); c.5157G>A, p.Met1719Ile (NM_001354899.2); c.5118G>A, p.Met1706Ile (NM_001354900.2); c.5064G>A, p.Met1688Ile (NM_001354901.2); and 5 more; short protein forms M1747I, M1729I, M1587I, M1646I, M1656I, M1688I, M1621I, M1706I.
Identifiers: ClinVar variation 411438 (VCV000411438.19), dbSNP rs1060503304, ClinGen allele CA16032788.
Genomic context (GRCh38, chr5:112,840,835, plus strand): 5'-CATTAATTCTGCTATGCCCAAAGGGAAAAGTCACAAGCCTTTCCGTGTGAAAAAGATAAT[G>A]GACCAGGTCCAGCAAGCATCTGCGTCTTCTTCTGCACCCAACAAAAATCAGTTAGATGGT-3'
Protein context (NP_000029.2, residues 1737-1757): SHKPFRVKKI[Met1747Ile]DQVQQASASS